The following is an entry in ClinVar:

ClinVar aggregate classification (germline): Conflicting classifications of pathogenicity. Review status: criteria provided, conflicting classifications (1 of 4 stars). 3 submissions from 3 submitters: Uncertain significance (2); Likely benign (1). Last evaluated 2024-10-18.

Conditions:
Hereditary cancer-predisposing syndrome. Also called: Tumor predisposition; Neoplastic Syndromes, Hereditary; Hereditary neoplastic syndrome; Hereditary Cancer Syndrome. Identifiers: Orphanet 140162, MedGen C0027672, MeSH D009386, MONDO:0015356.

Submissions (3):

Ambry Genetics
Classification: Uncertain significance for Hereditary cancer-predisposing syndrome. Last evaluated: 2024-10-18. Review status: criteria provided, single submitter. Criteria: Ambry Variant Classification Scheme 2023. Collection method: clinical testing. Allele origin: germline.
Comment: The p.C1820R variant (also known as c.5458T>C), located in coding exon 10 of the BRCA2 gene, results from a T to C substitution at nucleotide position 5458. The cysteine at codon 1820 is replaced by arginine, an amino acid with highly dissimilar properties. This amino acid position is not well conserved in available vertebrate species. In addition, this alteration is predicted to be tolerated by in silico analysis. Based on the available evidence, the clinical significance of this variant remains unclear.

University of Washington Department of Laboratory Medicine, University of Washington
Classification: Likely benign for Hereditary cancer-predisposing syndrome. Last evaluated: 2023-03-23. Review status: criteria provided, single submitter. Criteria: Dines et al. (Genet Med. 2020). Collection method: curation. Allele origin: germline.
Comment: Missense variant in a coldspot region where missense variants are very unlikely to be pathogenic (PMID:31911673).

BRCA2 exon 11 coldspot. Reclassification based on statistical prior probability.

Women's Health and Genetics/Laboratory Corporation of America, LabCorp
Classification: Uncertain significance. Last evaluated: 2018-02-19. Review status: criteria provided, single submitter. Criteria: LabCorp Variant Classification Summary - May 2015. Collection method: clinical testing. Allele origin: germline.
Comment: Variant summary: BRCA2 c.5458T>C (p.Cys1820Arg) results in a non-conservative amino acid change in the encoded protein sequence and three of five in-silico tools predict a benign effect of the variant on protein function. However, these predictions have yet to be functionally assessed. The variant, c.5458T>C, has an observed allele frequency of 4.1e-06 in 245988 control chromosomes (gnomAD). The available data on variant occurrences in the general population are insufficient to allow any conclusion about variant significance. To our knowledge, no occurrence of c.5458T>C in individuals affected with Hereditary Breast and Ovarian Cancer and no experimental evidence demonstrating its impact on protein function have been reported. No clinical diagnostic laboratories have submitted clinical-significance assessments for this variant to ClinVar after 2014. Based on the evidence outlined above, the variant was classified as uncertain significance.

NM_000059.4(BRCA2):c.5458T>C (p.Cys1820Arg)

Gene: BRCA2 (BRCA2 DNA repair associated; plus strand). Cytogenetic location: 13q13.1.
Variant type: single nucleotide variant.
Coding change: c.5458T>C on transcript NM_000059.4 (MANE Select); coding-DNA position 5458, T replaced by C.
Protein change: p.Cys1820Arg; replaces cysteine 1820 with arginine.
Molecular consequence: missense variant.
Genome position (GRCh38, 1-based): chr13:32,339,813, T>C. VCF-style: chr13-32339813-T-C. GRCh37 (hg19) VCF-style: chr13-32913950-T-C.
Other names: short protein forms C1820R.
Identifiers: ClinVar variation 633104 (VCV000633104.4), dbSNP rs1566232493, ClinGen allele CA387785626.
Genomic context (GRCh38, chr13:32,339,813, plus strand): 5'-TACCCACAAACTGTAAATGAAGATATTTGCGTTGAGGAACTTGTGACTAGCTCTTCACCC[T>C]GCAAAAATAAAAATGCAGCCATTAAATTGTCCATATCTAATAGTAATAATTTTGAGGTAG-3'
Protein context (NP_000050.3, residues 1810-1830): VEELVTSSSP[Cys1820Arg]KNKNAAIKLS